The following is an entry in ClinVar:

ClinVar aggregate classification (germline): Uncertain significance (1 of 4 stars; one submission).

Allele frequency attached by ClinVar (database versions not stated): gnomAD exomes below 0.00001; TOPMed below 0.00001.
gnomAD v4.1: 1 of 1,613,520 alleles (0.000062%); highest among the groups gnomAD compares: Non-Finnish European, 0.000085%; no homozygotes.

Submission:

Labcorp Genetics (formerly Invitae), Labcorp
Classification: Uncertain significance. Last evaluated: 2025-07-21. Review status: criteria provided, single submitter. Criteria: Invitae Variant Classification Sherloc (09022015). Collection method: clinical testing. Allele origin: germline.
Comment: This sequence change replaces valine, which is neutral and non-polar, with methionine, which is neutral and non-polar, at codon 242 of the TTC37 protein (p.Val242Met). This variant is not present in population databases (gnomAD no frequency). This variant has not been reported in the literature in individuals affected with TTC37-related conditions. ClinVar contains an entry for this variant (Variation ID: 2183230). An algorithm developed to predict the effect of missense changes on protein structure and function outputs the following: PolyPhen-2: "Benign". The methionine amino acid residue is found in multiple mammalian species, which suggests that this missense change does not adversely affect protein function. Algorithms developed to predict the effect of sequence changes on RNA splicing suggest that this variant may disrupt the consensus splice site. In summary, the available evidence is currently insufficient to determine the role of this variant in disease. Therefore, it has been classified as a Variant of Uncertain Significance.

NM_014639.4(SKIC3):c.724G>A (p.Val242Met)

Gene: SKIC3 (SKI3 subunit of superkiller complex; minus strand). Cytogenetic location: 5q15.
Variant type: single nucleotide variant.
Coding change: c.724G>A on transcript NM_014639.4 (MANE Select); coding-DNA position 724, G replaced by A.
Protein change: p.Val242Met; replaces valine 242 with methionine.
Molecular consequence: missense variant.
Genome position (GRCh38, 1-based): chr5:95,536,844, C>T on the plus strand (G>A on the coding strand, the complement: SKIC3 is on the minus strand). VCF-style: chr5-95536844-C-T. GRCh37 (hg19) VCF-style: chr5-94872548-C-T.
Other names: short protein forms V242M.
Identifiers: ClinVar variation 2183230 (VCV002183230.4), dbSNP rs1747939147, ClinGen allele CA360440307.